The following is an entry in ClinVar:

NM_000052.7(ATP7A):c.2924A>G (p.Asn975Ser)

Gene: ATP7A (ATPase copper transporting alpha; plus strand). Cytogenetic location: Xq21.1.
Variant type: single nucleotide variant.
Coding change: c.2924A>G on transcript NM_000052.7 (MANE Select); coding-DNA position 2924, A replaced by G.
Protein change: p.Asn975Ser; replaces asparagine 975 with serine.
Molecular consequence: missense variant.
Genome position (GRCh38, 1-based): chrX:78,029,257, A>G. VCF-style: chrX-78029257-A-G. GRCh37 (hg19) VCF-style: chrX-77284754-A-G.
Other names: c.2690A>G, p.Asn897Ser (NM_001282224.2); short protein forms N975S, N897S.
Identifiers: ClinVar variation 546241 (VCV000546241.9), dbSNP rs1557236698, ClinGen allele CA413603021.

ClinVar aggregate classification (germline): Conflicting classifications of pathogenicity. Review status: criteria provided, conflicting classifications (1 of 4 stars). 3 submissions from 3 submitters: Uncertain significance (1); Likely benign (1). 1 of the submissions does not count toward it. Last evaluated 2025-06-04.

Conditions:
Menkes kinky-hair syndrome (MNK). Also called: Menkes Disease; Classic Menkes Disease; Copper transport disease. Identifiers: Orphanet 565, MedGen C0022716, MONDO:0010651, OMIM 309400.
Cutis laxa, X-linked (OHS). Also called: EDS IX; Occipital horn syndrome. Identifiers: Orphanet 198, MedGen C0268353, MONDO:0010572, OMIM 304150.
X-linked distal spinal muscular atrophy type 3. Also called: SPINAL MUSCULAR ATROPHY, DISTAL, X-LINKED RECESSIVE; ATP7A-Related Distal Motor Neuropathy; NEURONOPATHY, DISTAL HEREDITARY MOTOR, X-LINKED; NEUROPATHY, DISTAL HEREDITARY MOTOR, X-LINKED. Identifiers: Orphanet 139557, MedGen C1845359, MONDO:0010338, OMIM 300489.

Allele frequency attached by ClinVar (database versions not stated): gnomAD exomes below 0.00001 and 0.00001; TOPMed below 0.00001.
gnomAD v4.1: 3 of 1,211,057 alleles (0.00025%); highest among the groups gnomAD compares: Admixed American, 0.0022%; no homozygotes.

Submissions (3):

Labcorp Genetics (formerly Invitae), Labcorp
Classification: Likely benign for X-linked distal spinal muscular atrophy type 3; Cutis laxa, X-linked; Menkes kinky-hair syndrome. Last evaluated: 2025-06-04. Review status: criteria provided, single submitter. Criteria: Invitae Variant Classification Sherloc (09022015). Collection method: clinical testing. Allele origin: germline.

GeneDx
Classification: Uncertain significance. Last evaluated: 2020-09-17. Review status: criteria provided, single submitter. Criteria: GeneDx Variant Classification Process June 2021. Collection method: clinical testing. Allele origin: germline. Affected: yes.
Comment: Not observed at a significant frequency in large population cohorts (Lek et al., 2016); In silico analysis supports that this missense variant does not alter protein structure/function; Has not been previously published as pathogenic or benign to our knowledge

Natera, Inc.
Classification: Uncertain significance for Menkes kinky hair syndrome. Last evaluated: 2019-10-28. Review status: no assertion criteria provided. Collection method: clinical testing. Allele origin: germline. Not counted in ClinVar's aggregate classification.